The following is an entry in ClinVar:

NM_000038.6(APC):c.934-18A>G

Gene: APC (APC regulator of Wnt signaling pathway; plus strand). Cytogenetic location: 5q22.2.
Variant type: single nucleotide variant.
Coding change: c.934-18A>G on transcript NM_000038.6 (MANE Select); 18 bases into the intron before coding-DNA position 934, A replaced by G.
Molecular consequence: intron variant.
Genome position (GRCh38, 1-based): chr5:112,818,948, A>G. VCF-style: chr5-112818948-A-G. GRCh37 (hg19) VCF-style: chr5-112154645-A-G.
Other names: c.934-18A>G (NM_001354895.2, NM_001127510.3, NM_001354896.2); c.964-18A>G (NM_001354897.2); c.964-321A>G (NM_001354902.2); c.880-18A>G (NM_001127511.3); c.859-18A>G (NM_001354898.2); c.859-321A>G (NM_001354904.2); c.85-18A>G (NM_001354906.2); c.934-321A>G (NM_001354903.2); and 3 more.
Identifiers: ClinVar variation 2160343 (VCV002160343.4), dbSNP rs2149778424, ClinGen allele CA2580072452.

ClinVar aggregate classification (germline): Uncertain significance (1 of 4 stars; one submission).

Conditions:
Familial adenomatous polyposis 1 (FAP1). Also called: FAMILIAL ADENOMATOUS POLYPOSIS 1, ATTENUATED; POLYPOSIS, ADENOMATOUS INTESTINAL. Identifiers: MedGen C2713442, MONDO:0021056, OMIM 175100. Disease mechanism: loss of function.

Submission:

Labcorp Genetics (formerly Invitae), Labcorp
Classification: Uncertain significance for Familial adenomatous polyposis 1. Last evaluated: 2024-02-06. Review status: criteria provided, single submitter. Criteria: Invitae Variant Classification Sherloc (09022015). Collection method: clinical testing. Allele origin: germline.
Comment: This sequence change falls in intron 9 of the APC gene. It does not directly change the encoded amino acid sequence of the APC protein. This variant is not present in population databases (gnomAD no frequency). This variant has not been reported in the literature in individuals affected with APC-related conditions. ClinVar contains an entry for this variant (Variation ID: 2160343). Algorithms developed to predict the effect of sequence changes on RNA splicing suggest that this variant may disrupt the consensus splice site. In summary, the available evidence is currently insufficient to determine the role of this variant in disease. Therefore, it has been classified as a Variant of Uncertain Significance.